The following is an entry in ClinVar:

ClinVar aggregate classification (germline): Uncertain significance (1 of 4 stars; one submission).

Conditions:
Hearing loss, autosomal dominant 81. Also called: Deafness, autosomal dominant 81. Identifiers: MedGen C5561972, MONDO:0030549, OMIM 619500.

gnomAD v4.1: 13 of 1,614,200 alleles (0.00081%); highest among the groups gnomAD compares: South Asian, 0.0022%; no homozygotes.

Submission:

Neuberg Centre For Genomic Medicine, NCGM
Classification: Uncertain significance for Hearing loss, autosomal dominant 81. Last evaluated: 2023-05-20. Review status: criteria provided, single submitter. Criteria: ACMG Guidelines, 2015. Collection method: clinical testing. Allele origin: germline. Inheritance: Autosomal dominant inheritance. Affected: yes.
Comment: The missense c.421G>A (p.Gly141Arg) variant in the ELMOD3 gene has not been reported previously as a pathogenic variant nor as a benign variant, to our knowledge. This variant is absent in the gnomAD Exomes. The amino acid Glycine at position 141 is changed to a Arginine changing protein sequence and it might alter its composition and physico-chemical properties. Multiple lines of computational evidence (Polyphen - Damaging, SIFT – Damaging and MutationTaster - Disease causing) predict a damaging effect on protein structure and function for this variant. The amino acid change p.Gly141Arg in ELMOD3 is predicted as conserved by GERP++ and PhyloP across 100 vertebrates. For these reasons, this variant has been classified as Uncertain Significance.

NM_001135022.2(ELMOD3):c.421G>A (p.Gly141Arg)

Gene: ELMOD3 (ELMO domain containing 3; plus strand). Cytogenetic location: 2p11.2.
Variant type: single nucleotide variant.
Coding change: c.421G>A on transcript NM_001135022.2 (MANE Select); coding-DNA position 421, G replaced by A.
Protein change: p.Gly141Arg; replaces glycine 141 with arginine.
Molecular consequence: missense variant. On other transcripts: non-coding transcript variant (3).
Genome position (GRCh38, 1-based): chr2:85,371,146, G>A. VCF-style: chr2-85371146-G-A. GRCh37 (hg19) VCF-style: chr2-85598269-G-A.
Other names: c.421G>A, p.Gly141Arg (NM_001135021.2, NM_001135023.2, NM_001329791.2 and 3 more transcripts); short protein forms G141R.
Identifiers: ClinVar variation 3341392 (VCV003341392.1).